The following is an entry in ClinVar:

NM_001303256.3(MORC2):c.2719A>T (p.Thr907Ser)

Gene: MORC2 (MORC family CW-type zinc finger 2; minus strand). Cytogenetic location: 22q12.2.
Variant type: single nucleotide variant.
Coding change: c.2719A>T on transcript NM_001303256.3 (MANE Select); coding-DNA position 2719, A replaced by T.
Protein change: p.Thr907Ser; replaces threonine 907 with serine.
Molecular consequence: missense variant.
Genome position (GRCh38, 1-based): chr22:30,932,573, T>A on the plus strand (A>T on the coding strand, the complement: MORC2 is on the minus strand). VCF-style: chr22-30932573-T-A. GRCh37 (hg19) VCF-style: chr22-31328560-T-A.
Other names: c.2719A>T, p.Thr907Ser (NM_001303257.2); c.2533A>T, p.Thr845Ser (NM_014941.3); short protein forms T845S, T907S.
Identifiers: ClinVar variation 1389684 (VCV001389684.6), dbSNP rs2147240880, ClinGen allele CA411231739.

ClinVar aggregate classification (germline): Uncertain significance (1 of 4 stars; one submission).

Conditions:
Charcot-Marie-Tooth disease axonal type 2Z. Also called: CHARCOT-MARIE-TOOTH DISEASE, AXONAL, AUTOSOMAL DOMINANT, TYPE 2Z; CHARCOT-MARIE-TOOTH NEUROPATHY, TYPE 2Z. Identifiers: Orphanet 466768, MedGen C5569025, MONDO:0014736, OMIM 616688.

Submission:

Labcorp Genetics (formerly Invitae), Labcorp
Classification: Uncertain significance for Charcot-Marie-Tooth disease axonal type 2Z. Last evaluated: 2021-04-23. Review status: criteria provided, single submitter. Criteria: Invitae Variant Classification Sherloc (09022015). Collection method: clinical testing. Allele origin: germline.
Comment: This variant is not present in population databases (ExAC no frequency). This sequence change replaces threonine with serine at codon 907 of the MORC2 protein (p.Thr907Ser). The threonine residue is moderately conserved and there is a small physicochemical difference between threonine and serine. This variant has not been reported in the literature in individuals with MORC2-related conditions. In summary, the available evidence is currently insufficient to determine the role of this variant in disease. Therefore, it has been classified as a Variant of Uncertain Significance. Advanced modeling of protein sequence and biophysical properties (such as structural, functional, and spatial information, amino acid conservation, physicochemical variation, residue mobility, and thermodynamic stability) performed at Invitae indicates that this missense variant is not expected to disrupt MORC2 protein function.